The following is an entry in ClinVar:

ClinVar aggregate classification (germline): Conflicting classifications of pathogenicity. Review status: criteria provided, conflicting classifications (1 of 4 stars). 5 submissions from 5 submitters: Likely pathogenic (4); Uncertain significance (1). Last evaluated 2026-02-09.

Conditions:
X-linked agammaglobulinemia (XLA). Also called: Agammaglobulinemia, Bruton tyrosine kinase; Agammaglobulinemia, BTK; BTK-deficiency; IMMUNODEFICIENCY 1; Bruton's agammaglobulinemia; AGAMMAGLOBULINEMIA, X-LINKED, TYPE 1. Identifiers: Orphanet 229717, Orphanet 47, MedGen C0221026, MONDO:0010421, OMIM 300755.
X-linked agammaglobulinemia with growth hormone deficiency (IGHD3). Also called: AGAMMAGLOBULINEMIA AND ISOLATED GROWTH HORMONE DEFICIENCY, X-LINKED; FLEISHER SYNDROME; HYPOGAMMAGLOBULINEMIA AND ISOLATED GROWTH HORMONE DEFICIENCY, X-LINKED; IGHD III; Isolated growth hormone deficiency type 3; Growth hormone deficiency with hypogammaglobulinemia. Identifiers: Orphanet 231692, Orphanet 631, MedGen C0472813, MONDO:0010615, OMIM 307200.

Allele frequency attached by ClinVar (database versions not stated): gnomAD exomes below 0.00001 and 0.00001.
gnomAD v4.1: 1 of 1,211,555 alleles (0.000083%); highest among the groups gnomAD compares: Admixed American, 0.0022%; no homozygotes.

Submissions (5):

Women's Health and Genetics/Laboratory Corporation of America, LabCorp
Classification: Likely pathogenic for X-linked agammaglobulinemia. Last evaluated: 2026-02-09. Review status: criteria provided, single submitter. Criteria: LabCorp Variant Classification Summary - May 2015. Collection method: clinical testing. Allele origin: germline.
Comment: Variant summary: BTK c.1697C>T (p.Pro566Leu) results in a non-conservative amino acid change in the encoded protein sequence. Algorithms developed to predict the effect of missense changes on protein structure and function all suggest that this variant is likely to be disruptive. The variant allele was found at a frequency of 5.5e-06 in 183405 control chromosomes (gnomAD). c.1697C>T has been observed in an individual affected with X-linked agammaglobulinemia (Khan_2021). At least one publication reports experimental evidence evaluating an impact on protein function, finding that the variant abolishes BTK kinase function (Hu_2021). The following publications have been ascertained in the context of this evaluation (PMID: 33419778, 34029777). ClinVar contains an entry for this variant (Variation ID: 384005). Based on the evidence outlined above, the variant was classified as likely pathogenic.

Genomic Medicine Center of Excellence, King Faisal Specialist Hospital and Research Centre
Classification: Likely pathogenic for X-linked agammaglobulinemia. Last evaluated: 2025-09-10. Review status: criteria provided, single submitter. Criteria: ACMG Guidelines, 2015. Collection method: clinical testing. Allele origin: germline.

Mayo Clinic Laboratories, Mayo Clinic
Classification: Likely pathogenic. Last evaluated: 2024-02-29. Review status: criteria provided, single submitter. Criteria: ACMG Guidelines, 2015. Collection method: clinical testing. Allele origin: germline. Observed: 1 variant allele.
Comment: PP2, PP3, PP4, PM1, PM2, PM5

GeneDx
Classification: Likely pathogenic. Last evaluated: 2024-01-12. Review status: criteria provided, single submitter. Criteria: GeneDx Variant Classification Process June 2021. Collection method: clinical testing. Allele origin: germline. Affected: yes.
Comment: Published functional studies demonstrate this variant abolishes BTK kinase activity (PMID: 33419778); In silico analysis supports that this missense variant has a deleterious effect on protein structure/function; This variant is associated with the following publications: (PMID: 33419778, 34029777)

Labcorp Genetics (formerly Invitae), Labcorp
Classification: Uncertain significance for X-linked agammaglobulinemia with growth hormone deficiency. Last evaluated: 2018-11-30. Review status: criteria provided, single submitter. Criteria: Invitae Variant Classification Sherloc (09022015). Collection method: clinical testing. Allele origin: germline.
Comment: This sequence change replaces proline with leucine at codon 566 of the BTK protein (p.Pro566Leu). The proline residue is highly conserved and there is a moderate physicochemical difference between proline and leucine. In summary, the available evidence is currently insufficient to determine the role of this variant in disease. Therefore, it has been classified as a Variant of Uncertain Significance. This variant disrupts the p.Pro566 amino acid residue in BTK. Other variant(s) that disrupt this residue have been observed in individuals with BTK-related conditions (PMID: 23335184, 11438999), suggesting that it is a clinically significant residue. As a result, variants that disrupt this residue are likely to be causative of disease. Algorithms developed to predict the effect of missense changes on protein structure and function (SIFT, PolyPhen-2, Align-GVGD) all suggest that this variant is likely to be disruptive, but these predictions have not been confirmed by published functional studies and their clinical significance is uncertain. This variant has not been reported in the literature in individuals with BTK-related conditions. ClinVar contains an entry for this variant (Variation ID: 384005). This variant is not present in population databases (ExAC no frequency).

Literature cited by the submitters: PubMed 34029777 (cited by Women's Health and Genetics/Laboratory Corporation of America, LabCorp and Mayo Clinic Laboratories, Mayo Clinic); PubMed 33419778 (cited by Women's Health and Genetics/Laboratory Corporation of America, LabCorp); PubMed 11438999 (cited by Mayo Clinic Laboratories, Mayo Clinic and Labcorp Genetics (formerly Invitae), Labcorp); PubMed 16159644 (cited by Mayo Clinic Laboratories, Mayo Clinic); PubMed 23335184 (cited by Mayo Clinic Laboratories, Mayo Clinic and Labcorp Genetics (formerly Invitae), Labcorp); PubMed 32888943 (cited by Mayo Clinic Laboratories, Mayo Clinic); PubMed 33584693 (cited by Mayo Clinic Laboratories, Mayo Clinic); PubMed 35482138 (cited by Mayo Clinic Laboratories, Mayo Clinic); PubMed 36790564 (cited by Mayo Clinic Laboratories, Mayo Clinic).

NM_000061.3(BTK):c.1697C>T (p.Pro566Leu)

Gene: BTK (Bruton tyrosine kinase; minus strand). Cytogenetic location: Xq22.1.
Variant type: single nucleotide variant.
Coding change: c.1697C>T on transcript NM_000061.3 (MANE Select); coding-DNA position 1697, C replaced by T.
Protein change: p.Pro566Leu; replaces proline 566 with leucine.
Molecular consequence: missense variant.
Genome position (GRCh38, 1-based): chrX:101,353,923, G>A on the plus strand (C>T on the coding strand, the complement: BTK is on the minus strand). VCF-style: chrX-101353923-G-A. GRCh37 (hg19) VCF-style: chrX-100608911-G-A.
Other names: p.Pro566Leu; c.1799C>T, p.Pro600Leu (NM_001287344.2); c.1169C>T, p.Pro390Leu (NM_001287345.2); short protein forms P566L, P390L, P600L.
Identifiers: ClinVar variation 384005 (VCV000384005.15), dbSNP rs1057521814, ClinGen allele CA16608699.